The following is an entry in ClinVar:

NM_001122955.4(BSCL2):c.615C>T (p.Ser205=)

Genes: BSCL2 (BSCL2 lipid droplet biogenesis associated, seipin; minus strand), HNRNPUL2-BSCL2 (HNRNPUL2-BSCL2 readthrough (NMD candidate); minus strand). Cytogenetic location: 11q12.3.
Variant type: single nucleotide variant.
Coding change: c.615C>T on transcript NM_001122955.4 (MANE Select); coding-DNA position 615, C replaced by T.
Protein change: p.Ser205=; no amino-acid change (serine 205 retained).
Molecular consequence: synonymous variant. On other transcripts: non-coding transcript variant (1).
Genome position (GRCh38, 1-based): chr11:62,694,583, G>A on the plus strand (C>T on the coding strand, the complement: BSCL2 is on the minus strand). VCF-style: chr11-62694583-G-A. GRCh37 (hg19) VCF-style: chr11-62462055-G-A.
Other names: c.423C>T, p.Ser141= (NM_001130702.2, NM_032667.6); c.615C>T, p.Ser205= (NM_001386027.1, NM_001386028.1); c.615C>T (NM_001122955.3).
Identifiers: ClinVar variation 305180 (VCV000305180.43), dbSNP rs140208002, ClinGen allele CA6053523.
Genomic context (GRCh38, chr11:62,694,583, plus strand): 5'-TGCCATCTTCCTCCACACCTTCTCAGACAGGCCACCAACACTTACCGAACGCGAAGAAGT[G>A]GAGATGATTCGGCCACCTCTGGTGTAGCAGGAAATGGTGACCAAGAACATGCCCAAATCT-3'
Protein context (NP_001116427.1, residues 195-215): SCYTRGGRII[Ser205=]TSSRSVMLHY

ClinVar aggregate classification (germline): Conflicting classifications of pathogenicity. Review status: criteria provided, conflicting classifications (1 of 4 stars). 7 submissions from 6 submitters: Uncertain significance (2); Likely benign (5). Last evaluated 2026-03-30.

Conditions:
Neuronopathy, distal hereditary motor, type 5A (HMND5). Also called: DHMN VA; Distal Spinal Muscular Atrophy V (dSMA-V); NEURONOPATHY, DISTAL HEREDITARY MOTOR, AUTOSOMAL DOMINANT 5; Distal Spinal Muscular Atrophy V. Identifiers: Orphanet 139536, MedGen CN031873, MONDO:0015353, OMIM 600794.
Congenital generalized lipodystrophy type 2 (CGL2). Also called: SEIP SYNDROME; BERARDINELLI SYNDROME; BRUNZELL SYNDROME, BSCL2-RELATED; Berardinelli-Seip Congenital Lipodystrophy Type 2. Identifiers: Orphanet 528, Orphanet 696289, MedGen C1720863, MONDO:0010020, OMIM 269700.
Charcot-Marie-Tooth disease type 2. Also called: Charcot-Marie-Tooth type 2. Identifiers: Orphanet 64746, MedGen C0270914, MONDO:0018993.
BSCL2-related disorder. Also called: BSCL2-Related Disorders; BSCL2-related condition.
Inborn genetic diseases. Identifiers: MedGen C0950123, MeSH D030342.

Allele frequency attached by ClinVar (database versions not stated): gnomAD exomes 0.00003 and 0.00007; ExAC 0.00010; gnomAD 0.00017 and 0.00019; TOPMed 0.00023; 1000 Genomes Project 30x 0.00031; ESP Exome Variant Server 0.00031; 1000 Genomes Project 0.00040.
gnomAD v4.1: 72 of 1,614,062 alleles (0.0045%); highest among the groups gnomAD compares: African/African-American, 0.073%; no homozygotes.

Submissions (7):

PreventionGenetics, part of Exact Sciences
Classification: Likely benign for BSCL2-related condition. Last evaluated: 2026-03-30. Review status: criteria provided, single submitter. Criteria: ACMG Guidelines, 2015. Collection method: clinical testing. Allele origin: germline.
Comment: This variant is classified as likely benign based on ACMG/AMP sequence variant interpretation guidelines (Richards et al. 2015 PMID: 25741868, with internal and published modifications).

Labcorp Genetics (formerly Invitae), Labcorp
Classification: Likely benign for Charcot-Marie-Tooth disease type 2. Last evaluated: 2024-07-31. Review status: criteria provided, single submitter. Criteria: Invitae Variant Classification Sherloc (09022015). Collection method: clinical testing. Allele origin: germline.

CeGaT Center for Human Genetics Tuebingen
Classification: Likely benign. Last evaluated: 2023-09-01. Review status: criteria provided, single submitter. Criteria: CeGaT Center For Human Genetics Tuebingen Variant Classification Criteria Version 2. Collection method: clinical testing. Allele origin: germline. Affected: yes. Observed: 1 variant allele.
Comment: BSCL2: BP4, BP7

GeneDx
Classification: Likely benign. Last evaluated: 2019-11-26. Review status: criteria provided, single submitter. Criteria: GeneDx Variant Classification Process June 2021. Collection method: clinical testing. Allele origin: germline. Affected: yes.

Ambry Genetics
Classification: Likely benign for Inborn genetic diseases. Last evaluated: 2019-07-11. Review status: criteria provided, single submitter. Criteria: Ambry Variant Classification Scheme 2023. Collection method: clinical testing. Allele origin: germline.

Illumina Laboratory Services, Illumina
Classification: Uncertain significance for Congenital generalized lipodystrophy type 2. Last evaluated: 2018-01-13. Review status: criteria provided, single submitter. Criteria: ICSL Variant Classification Criteria 13 December 2019. Collection method: clinical testing. Allele origin: germline.

Illumina Laboratory Services, Illumina
Classification: Uncertain significance for Neuronopathy, distal hereditary motor, type 5A. Last evaluated: 2018-01-13. Review status: criteria provided, single submitter. Criteria: ICSL Variant Classification Criteria 13 December 2019. Collection method: clinical testing. Allele origin: germline.